The following is an entry in ClinVar:

NM_000127.3(EXT1):c.1836del (p.Lys611_Trp612insTer)

Gene: EXT1 (exostosin glycosyltransferase 1; minus strand). Cytogenetic location: 8q24.11.
Variant type: Deletion.
Coding change: c.1836del on transcript NM_000127.3 (MANE Select); coding-DNA position 1836, one base deleted (G; older notation c.1836delG).
Protein change: p.Lys611_Trp612insTer.
Molecular consequence: nonsense.
Genome position (GRCh38, 1-based): chr8:117,807,264, C deleted on the plus strand (G on the coding strand, the reverse complement: EXT1 is on the minus strand); the first of 2 consecutive C bases (chr8:117,807,264-117,807,265); deleting either gives the same sequence. VCF-style (leftmost placement, unchanged base first): chr8-117807263-TC-T. GRCh37 (hg19) VCF-style: chr8-118819502-TC-T.
Identifiers: ClinVar variation 2431522 (VCV002431522.2), dbSNP rs2488089183, ClinGen allele CA2580078547.

ClinVar aggregate classification (germline): Likely pathogenic (1 of 4 stars; one submission).

Conditions:
Chondrosarcoma. Also called: Chondrosarcoma, somatic. Identifiers: Orphanet 55880, MedGen C0008479, MONDO:0008977, OMIM 215300, HP:0006765.

Submission:

Laboratorio de Genetica e Diagnostico Molecular, Hospital Israelita Albert Einstein
Classification: Likely pathogenic for Chondrosarcoma. Last evaluated: 2023-01-20. Review status: criteria provided, single submitter. Criteria: ACMG Guidelines, 2015. Collection method: clinical testing. Allele origin: germline. Affected: yes.
Comment: ACMG classification criteria: PVS1 very strong, PM2 moderated